The following is an entry in ClinVar:

ClinVar aggregate classification (germline): Pathogenic (1 of 4 stars; one submission).

Submission:

Dasa
Classification: Pathogenic. Last evaluated: 2026-03-14. Review status: criteria provided, single submitter. Criteria: DASA Assertion Criteria. Collection method: clinical testing. Allele origin: germline.
Comment: NM_001754.5(RUNX1):c.437_444dup (p.Ala149Metfs*6) is a frameshift variant in RUNX1 predicted to alter the reading frame and introduce a premature termination codon and is predicted to result in an absent or altered protein product. Loss of function is an established disease mechanism for RUNX1 (PMID: 31723833; PMID: 18478040; PMID: 19357396). Also, this variant is rare in population databases. Based on the currently available evidence, this variant is classified as pathogenic.

Literature cited by the submitters: PubMed 31723833; PubMed 18478040; PubMed 19357396.

NM_001754.5(RUNX1):c.437_444dup (p.Ala149fs)

Genes: RUNX1-AS1 (RUNX1 antisense RNA 1; plus strand), RUNX1 (RUNX family transcription factor 1; minus strand). Cytogenetic location: 21q22.12.
Variant type: Duplication.
Coding change: c.437_444dup on transcript NM_001754.5 (MANE Select); coding-DNA positions 437 to 444, 8 bases duplicated (ATGCTACC; older notation c.437_444dupATGCTACC).
Protein change: p.Ala149fs; shifts the reading frame from alanine 149.
Molecular consequence: frameshift variant.
Genome position (GRCh38, 1-based): chr21:34,880,621-34,880,628, GGTAGCAT duplicated on the plus strand (ATGCTACC on the coding strand, the reverse complement: RUNX1 is on the minus strand). VCF-style (leftmost placement, unchanged base first): chr21-34880620-C-CGGTAGCAT. GRCh37 (hg19) VCF-style: chr21-36252917-C-CGGTAGCAT.
Other names: c.356_363dup, p.Ala122fs (NM_001001890.3, NM_001122607.2); short protein forms A122fs, A149fs.
Identifiers: ClinVar variation 4884193 (VCV004884193.2).